The following is an entry in ClinVar:

ClinVar aggregate classification (germline): Pathogenic. Review status: criteria provided, single submitter (1 of 4 stars). 2 submissions from 2 submitters: Pathogenic (1). 1 of the submissions does not count toward it. Last evaluated 2025-05-04.

Conditions:
Osteogenesis imperfecta type 15. Also called: WNT1-related osteogenesis imperfecta; Osteogenesis imperfecta, type xv; OI, TYPE XV. Identifiers: Orphanet 666, MedGen C3808844, MONDO:0014086, OMIM 615220.

Submissions (2):

Labcorp Genetics (formerly Invitae), Labcorp
Classification: Pathogenic. Last evaluated: 2025-05-04. Review status: criteria provided, single submitter. Criteria: Invitae Variant Classification Sherloc (09022015). Collection method: clinical testing. Allele origin: germline.
Comment: This sequence change creates a premature translational stop signal (p.Glu343Serfs*50) in the WNT1 gene. While this is not anticipated to result in nonsense mediated decay, it is expected to disrupt the last 28 amino acid(s) of the WNT1 protein. This variant is not present in population databases (gnomAD no frequency). This premature translational stop signal has been observed in individual(s) with early-onset osteoporosis and bone fractures (PMID: 28116328). ClinVar contains an entry for this variant (Variation ID: 180210). This variant disrupts a region of the WNT1 protein in which other variant(s) (p.Val355Phe) have been determined to be pathogenic (PMID: 23434763, 25010833). This suggests that this is a clinically significant region of the protein, and that variants that disrupt it are likely to be disease-causing. For these reasons, this variant has been classified as Pathogenic.

Mendelics
Classification: Pathogenic for Osteogenesis imperfecta type 15. Last evaluated: 2014-11-17. Review status: no assertion criteria provided. Collection method: clinical testing. Allele origin: biparental. Affected: yes. Not counted in ClinVar's aggregate classification.

Literature cited by the submitters: PubMed 28116328 (cited by Labcorp Genetics (formerly Invitae), Labcorp); PubMed 23434763 (cited by Labcorp Genetics (formerly Invitae), Labcorp); PubMed 25010833 (cited by Labcorp Genetics (formerly Invitae), Labcorp); PubMed 23499309 (cited by Mendelics).

NM_005430.4(WNT1):c.1026del (p.Glu343fs)

Gene: WNT1 (Wnt family member 1; plus strand). Cytogenetic location: 12q13.12.
Variant type: Deletion.
Coding change: c.1026del on transcript NM_005430.4 (MANE Select); coding-DNA position 1026, one base deleted (C; older notation c.1026delC).
Protein change: p.Glu343fs; shifts the reading frame from glutamic acid 343.
Molecular consequence: frameshift variant.
Genome position (GRCh38, 1-based): chr12:48,981,553, C deleted; the last of 2 consecutive C bases (chr12:48,981,552-48,981,553); deleting either gives the same sequence. VCF-style (leftmost placement, unchanged base first): chr12-48981551-AC-A. GRCh37 (hg19) VCF-style: chr12-49375334-AC-A.
Other names: short protein forms E343fs.
Identifiers: ClinVar variation 180210 (VCV000180210.4), dbSNP rs727505392, ClinGen allele CA185909.